The following is an entry in ClinVar:

ClinVar aggregate classification (germline): Uncertain significance (1 of 4 stars; one submission).

Submission:

Labcorp Genetics (formerly Invitae), Labcorp
Classification: Uncertain significance. Last evaluated: 2024-10-07. Review status: criteria provided, single submitter. Criteria: Invitae Variant Classification Sherloc (09022015). Collection method: clinical testing. Allele origin: germline.
Comment: This sequence change replaces arginine, which is basic and polar, with threonine, which is neutral and polar, at codon 682 of the NAA35 protein (p.Arg682Thr). This variant is not present in population databases (gnomAD no frequency). This variant has not been reported in the literature in individuals affected with NAA35-related conditions. ClinVar contains an entry for this variant (Variation ID: 2004366). An algorithm developed to predict the effect of missense changes on protein structure and function (PolyPhen-2) suggests that this variant is likely to be tolerated. In summary, the available evidence is currently insufficient to determine the role of this variant in disease. Therefore, it has been classified as a Variant of Uncertain Significance.

NM_024635.4(NAA35):c.2045G>C (p.Arg682Thr)

Gene: NAA35 (N-alpha-acetyltransferase 35, NatC auxiliary subunit; plus strand). Cytogenetic location: 9q21.33.
Variant type: single nucleotide variant.
Coding change: c.2045G>C on transcript NM_024635.4 (MANE Select); coding-DNA position 2045, G replaced by C.
Protein change: p.Arg682Thr; replaces arginine 682 with threonine.
Molecular consequence: missense variant.
Genome position (GRCh38, 1-based): chr9:86,020,896, G>C. VCF-style: chr9-86020896-G-C. GRCh37 (hg19) VCF-style: chr9-88635811-G-C.
Other names: c.2045G>C, p.Arg682Thr (NM_001321881.2, NM_001321882.2); short protein forms R682T.
Identifiers: ClinVar variation 2004366 (VCV002004366.4), dbSNP rs2537881398, ClinGen allele CA373942817.